The following is an entry in ClinVar:

ClinVar aggregate classification (germline): Uncertain significance. Review status: criteria provided, multiple submitters, no conflicts (2 of 4 stars). 2 submissions from 2 submitters: Uncertain significance (2). Last evaluated 2025-06-16.

Conditions:
Shwachman-Diamond syndrome 1 (SDS1). Also called: LIPOMATOSIS OF PANCREAS, CONGENITAL. Identifiers: MedGen C4692625, MONDO:0044204, OMIM 260400.

Submissions (2):

Women's Health and Genetics/Laboratory Corporation of America, LabCorp
Classification: Uncertain significance. Last evaluated: 2025-06-16. Review status: criteria provided, single submitter. Criteria: LabCorp Variant Classification Summary - May 2015. Collection method: clinical testing. Allele origin: germline.
Comment: Variant summary: SBDS c.354A>C (p.Lys118Asn) results in a non-conservative amino acid change in the encoded protein sequence. Algorithms developed to predict the effect of missense changes on protein structure and function all suggest that this variant is likely to be disruptive. The variant allele was found at a frequency of 4e-06 in 251490 control chromosomes. The available data on variant occurrences in the general population are insufficient to allow any conclusion about variant significance. c.354A>C has been observed in individual(s) affected with Shwachman-Diamond Syndrome 1 (example: Shammas_2005). These data do not allow any conclusion about variant significance. At least one publication reports experimental evidence evaluating an impact on protein function, however, does not allow convincing conclusions about the variant effect (Finch_2011). The following publications has been ascertained in the context of this evaluation (PMID: 21536732, 15701631). ClinVar contains an entry for this variant (Variation ID: 3776899). Based on the evidence outlined above, the variant was classified as uncertain significance.

Broad Center for Mendelian Genomics, Broad Institute of MIT and Harvard
Classification: Uncertain significance for Shwachman-Diamond syndrome 1. Last evaluated: 2025-02-07. Review status: criteria provided, single submitter. Criteria: ACMG Guidelines, 2015. Collection method: curation. Allele origin: germline. Inheritance: Autosomal recessive inheritance.
Comment: The p.Lys118Asn variant in SBDS has been reported, in the compound heterozygous state, in 1 individual with Shwachman-Diamond syndrome (PMID: 15701631), and has been identified in 0.0004% (5/1179984) of European (non-Finnish) chromosomes by the Genome Aggregation Database (gnomAD; dbSNP rs773696325). Although this variant has been seen in the general population in a heterozygous state, its frequency is low enough to be consistent with a recessive carrier frequency. The presence of a known pseudogene, SBDSP1, can impact the reliability of allele frequencies. Computational prediction tools and conservation analyses do not provide strong support for or against an impact the protein. In summary, the clinical significance of the p.Lys118Asn variant is uncertain. ACMG/AMP Criteria applied: PM2_supporting, PM3 (Richards 2015).

Literature cited by the submitters: PubMed 21536732 (cited by Women's Health and Genetics/Laboratory Corporation of America, LabCorp); PubMed 15701631 (cited by Women's Health and Genetics/Laboratory Corporation of America, LabCorp).

NM_016038.4(SBDS):c.354A>C (p.Lys118Asn)

Gene: SBDS (SBDS ribosome maturation factor; minus strand). Cytogenetic location: 7q11.21.
Variant type: single nucleotide variant.
Coding change: c.354A>C on transcript NM_016038.4 (MANE Select); coding-DNA position 354, A replaced by C.
Protein change: p.Lys118Asn; replaces lysine 118 with asparagine.
Molecular consequence: missense variant.
Genome position (GRCh38, 1-based): chr7:66,993,322, T>G on the plus strand (A>C on the coding strand, the complement: SBDS is on the minus strand). VCF-style: chr7-66993322-T-G. GRCh37 (hg19) VCF-style: chr7-66458309-T-G.
Other names: NM_016038.4:c.354A>C; short protein forms K118N.
Identifiers: ClinVar variation 3776899 (VCV003776899.2).